The following is an entry in ClinVar:

NM_001273.5(CHD4):c.4765G>A (p.Glu1589Lys)

Genes: CHD4 (chromodomain helicase DNA binding protein 4; minus strand), CHD4-AS1 (CHD4 antisense RNA 1; plus strand). Cytogenetic location: 12p13.31.
Variant type: single nucleotide variant.
Coding change: c.4765G>A on transcript NM_001273.5 (MANE Select); coding-DNA position 4765, G replaced by A.
Protein change: p.Glu1589Lys; replaces glutamic acid 1589 with lysine.
Molecular consequence: missense variant.
Genome position (GRCh38, 1-based): chr12:6,581,305, C>T on the plus strand (G>A on the coding strand, the complement: CHD4 is on the minus strand). VCF-style: chr12-6581305-C-T. GRCh37 (hg19) VCF-style: chr12-6690471-C-T.
Other names: c.4744G>A, p.Glu1582Lys (NM_001297553.2); c.4726G>A, p.Glu1576Lys (NM_001363606.2); short protein forms E1576K, E1582K, E1589K.
Identifiers: ClinVar variation 2428793 (VCV002428793.4), dbSNP rs376011163, ClinGen allele CA383570807.

ClinVar aggregate classification (germline): Uncertain significance (1 of 4 stars; one submission).

Submission:

GeneDx
Classification: Uncertain significance. Last evaluated: 2024-05-24. Review status: criteria provided, single submitter. Criteria: GeneDx Variant Classification Process June 2021. Collection method: clinical testing. Allele origin: germline.
Comment: Not observed at significant frequency in large population cohorts (gnomAD); In silico analysis indicates that this missense variant does not alter protein structure/function; Has not been previously published as pathogenic or benign to our knowledge